The following is an entry in ClinVar:

ClinVar aggregate classification (germline): Uncertain significance. Review status: criteria provided, multiple submitters, no conflicts (2 of 4 stars). 4 submissions from 4 submitters: Uncertain significance (4). Last evaluated 2024-05-23.

Conditions:
Inborn genetic diseases. Identifiers: MedGen C0950123, MeSH D030342.
BNAR syndrome. Also called: Bifid Nose With or Without Anorectal and Renal Anomalies (BNAR) Syndrome. Identifiers: Orphanet 217266, MedGen C2750433, MONDO:0012165, OMIM 608980.
Oculotrichoanal syndrome (MOTA). Also called: MARLES SYNDROME; Manitoba Oculotrichoanal (MOTA) Syndrome. Identifiers: Orphanet 2717, MedGen C1855425, MONDO:0009560, OMIM 248450.
Trigonocephaly 2 (TRIGNO2). Identifiers: Orphanet 3366, MedGen C3280974, MONDO:0013774, OMIM 614485.

Allele frequency attached by ClinVar (database versions not stated): ESP Exome Variant Server 0.00042; TOPMed 0.00035.
gnomAD v4.1: 91 of 1,601,602 alleles (0.0057%); highest among the groups gnomAD compares: African/African-American, 0.097%; no homozygotes.

Submissions (4):

Fulgent Genetics
Classification: Uncertain significance for Oculotrichoanal syndrome; BNAR syndrome; Trigonocephaly 2. Last evaluated: 2024-05-23. Review status: criteria provided, single submitter. Criteria: ACMG Guidelines, 2015. Collection method: clinical testing. Allele origin: germline.

Revvity Omics, Revvity
Classification: Uncertain significance. Last evaluated: 2023-11-07. Review status: criteria provided, single submitter. Criteria: ACMG Guidelines, 2015. Collection method: clinical testing. Allele origin: germline.

Labcorp Genetics (formerly Invitae), Labcorp
Classification: Uncertain significance. Last evaluated: 2023-03-03. Review status: criteria provided, single submitter. Criteria: Invitae Variant Classification Sherloc (09022015). Collection method: clinical testing. Allele origin: germline.
Comment: In summary, the available evidence is currently insufficient to determine the role of this variant in disease. Therefore, it has been classified as a Variant of Uncertain Significance. Algorithms developed to predict the effect of sequence changes on RNA splicing suggest that this variant may create or strengthen a splice site. Advanced modeling of protein sequence and biophysical properties (such as structural, functional, and spatial information, amino acid conservation, physicochemical variation, residue mobility, and thermodynamic stability) performed at Invitae indicates that this missense variant is not expected to disrupt FREM1 protein function. ClinVar contains an entry for this variant (Variation ID: 2407182). This variant has not been reported in the literature in individuals affected with FREM1-related conditions. This variant is present in population databases (rs368536960, gnomAD 0.1%). This sequence change replaces isoleucine, which is neutral and non-polar, with phenylalanine, which is neutral and non-polar, at codon 1298 of the FREM1 protein (p.Ile1298Phe).

Ambry Genetics
Classification: Uncertain significance for Inborn genetic diseases. Last evaluated: 2021-10-05. Review status: criteria provided, single submitter. Criteria: Ambry Variant Classification Scheme 2023. Collection method: clinical testing. Allele origin: germline.

NM_001379081.2(FREM1):c.3892A>T (p.Ile1298Phe)

Gene: FREM1 (FRAS1 related extracellular matrix 1; minus strand). Cytogenetic location: 9p22.3.
Variant type: single nucleotide variant.
Coding change: c.3892A>T on transcript NM_001379081.2 (MANE Select); coding-DNA position 3892, A replaced by T.
Protein change: p.Ile1298Phe; replaces isoleucine 1298 with phenylalanine.
Molecular consequence: missense variant. On other transcripts: non-coding transcript variant (2).
Genome position (GRCh38, 1-based): chr9:14,792,832, T>A on the plus strand (A>T on the coding strand, the complement: FREM1 is on the minus strand). VCF-style: chr9-14792832-T-A. GRCh37 (hg19) VCF-style: chr9-14792830-T-A.
Other names: c.3892A>T, p.Ile1298Phe (NM_144966.7); short protein forms I1298F.
Identifiers: ClinVar variation 2407182 (VCV002407182.6), dbSNP rs368536960, ClinGen allele CA4990375.
Genomic context (GRCh38, chr9:14,792,832, plus strand): 5'-GCCTTTCAAATACATAGTAAATCTTCTCCCTGGGTGAGTCTTCATCTATGGCTGAAAGAA[T>A]AGCACTGGAAATAATACGAGTTTCACCCATATTCATTGCAATTTCAGCCTTCCTGTAAAA-3'
Protein context (NP_001366010.1, residues 1288-1308): MGETRIISSA[Ile1298Phe]LSAIDEDSPR